The following is an entry in ClinVar:

ClinVar aggregate classification (germline): Uncertain significance (1 of 4 stars; one submission).

Allele frequency attached by ClinVar (database versions not stated): gnomAD exomes below 0.00001; gnomAD 0.00001; TOPMed 0.00002.
gnomAD v4.1: 3 of 1,601,954 alleles (0.00019%); highest among the groups gnomAD compares: African/African-American, 0.004%; no homozygotes.

Submission:

Labcorp Genetics (formerly Invitae), Labcorp
Classification: Uncertain significance. Last evaluated: 2022-10-04. Review status: criteria provided, single submitter. Criteria: Invitae Variant Classification Sherloc (09022015). Collection method: clinical testing. Allele origin: germline.
Comment: In summary, the available evidence is currently insufficient to determine the role of this variant in disease. Therefore, it has been classified as a Variant of Uncertain Significance. Algorithms developed to predict the effect of missense changes on protein structure and function (SIFT, PolyPhen-2, Align-GVGD) all suggest that this variant is likely to be tolerated. This sequence change replaces isoleucine, which is neutral and non-polar, with valine, which is neutral and non-polar, at codon 146 of the FTH1 protein (p.Ile146Val). This variant is not present in population databases (gnomAD no frequency). This variant has not been reported in the literature in individuals affected with FTH1-related conditions.

NM_002032.3(FTH1):c.436A>G (p.Ile146Val)

Genes: BEST1 (bestrophin 1; plus strand), FTH1 (ferritin heavy chain 1; minus strand). Cytogenetic location: 11q12.3.
Variant type: single nucleotide variant.
Coding change: c.436A>G on transcript NM_002032.3 (MANE Select); coding-DNA position 436, A replaced by G.
Protein change: p.Ile146Val; replaces isoleucine 146 with valine.
Molecular consequence: missense variant.
Genome position (GRCh38, 1-based): chr11:61,964,843, T>C on the plus strand (A>G on the coding strand, the complement: FTH1 is on the minus strand). VCF-style: chr11-61964843-T-C. GRCh37 (hg19) VCF-style: chr11-61732315-T-C.
Other names: short protein forms I146V.
Identifiers: ClinVar variation 1912391 (VCV001912391.4), dbSNP rs1056175281, ClinGen allele CA222946402.